The following is an entry in ClinVar:

ClinVar aggregate classification (germline): Conflicting classifications of pathogenicity. Review status: criteria provided, conflicting classifications (1 of 4 stars). 2 submissions from 2 submitters: Uncertain significance (1); Likely benign (1). Last evaluated 2024-02-23.

Conditions:
Inborn genetic diseases. Identifiers: MedGen C0950123, MeSH D030342.

Allele frequency attached by ClinVar (database versions not stated): gnomAD 0.00001; gnomAD exomes 0.00002; TOPMed 0.00002; ExAC 0.00003.
gnomAD v4.1: 24 of 1,612,164 alleles (0.0015%); highest among the groups gnomAD compares: Admixed American, 0.0083%; no homozygotes.

Submissions (2):

Labcorp Genetics (formerly Invitae), Labcorp
Classification: Uncertain significance. Last evaluated: 2024-02-23. Review status: criteria provided, single submitter. Criteria: Invitae Variant Classification Sherloc (09022015). Collection method: clinical testing. Allele origin: germline.
Comment: This sequence change replaces arginine, which is basic and polar, with tryptophan, which is neutral and slightly polar, at codon 1466 of the RAI1 protein (p.Arg1466Trp). This variant is present in population databases (rs773428107, gnomAD 0.009%). This variant has not been reported in the literature in individuals affected with RAI1-related conditions. ClinVar contains an entry for this variant (Variation ID: 2038639). Advanced modeling of protein sequence and biophysical properties (such as structural, functional, and spatial information, amino acid conservation, physicochemical variation, residue mobility, and thermodynamic stability) performed at Invitae indicates that this missense variant is not expected to disrupt RAI1 protein function with a negative predictive value of 80%. In summary, the available evidence is currently insufficient to determine the role of this variant in disease. Therefore, it has been classified as a Variant of Uncertain Significance.

Ambry Genetics
Classification: Likely benign for Inborn genetic diseases. Last evaluated: 2023-06-21. Review status: criteria provided, single submitter. Criteria: Ambry Variant Classification Scheme 2023. Collection method: clinical testing. Allele origin: germline.

NM_030665.4(RAI1):c.4396C>T (p.Arg1466Trp)

Gene: RAI1 (retinoic acid induced 1; plus strand). Cytogenetic location: 17p11.2.
Variant type: single nucleotide variant.
Coding change: c.4396C>T on transcript NM_030665.4 (MANE Select); coding-DNA position 4396, C replaced by T.
Protein change: p.Arg1466Trp; replaces arginine 1466 with tryptophan.
Molecular consequence: missense variant.
Genome position (GRCh38, 1-based): chr17:17,797,344, C>T. VCF-style: chr17-17797344-C-T. GRCh37 (hg19) VCF-style: chr17-17700658-C-T.
Other names: c.4396C>T (NM_030665.3); short protein forms R1466W.
Identifiers: ClinVar variation 2038639 (VCV002038639.6), dbSNP rs773428107, ClinGen allele CA8418953.